The following is an entry in ClinVar:

NM_003242.6(TGFBR2):c.-371A>C

Gene: TGFBR2 (transforming growth factor beta receptor 2; plus strand). Cytogenetic location: 3p24.1.
Variant type: single nucleotide variant.
Coding change: c.-371A>C on transcript NM_003242.6 (MANE Select); 371 bases upstream of the start codon, A replaced by C.
Molecular consequence: genic upstream transcript variant. On other transcripts: 5 prime UTR variant (2).
Genome position (GRCh38, 1-based): chr3:30,606,513, A>C. VCF-style: chr3-30606513-A-C. GRCh37 (hg19) VCF-style: chr3-30648005-A-C.
Other names: c.-371A>C (NM_001024847.2); c.-92A>C (NM_001407129.1, NM_001407132.1).
Identifiers: ClinVar variation 344646 (VCV000344646.10), dbSNP rs886058297, ClinGen allele CA10618389.
Genomic context (GRCh38, chr3:30,606,513, plus strand): 5'-CTAGGAAACATGATTGGCAGCTACGAGAGAGCTAGGGGCTGGACGTCGAGGAGAGGGAGA[A>C]GGCTCTCGGGCGGAGAGAGGTCCTGCCCAGCTGTTGGCGAGGAGTTTCCTGTTTCCCCCG-3'

ClinVar aggregate classification (germline): Conflicting classifications of pathogenicity. Review status: criteria provided, conflicting classifications (1 of 4 stars). 3 submissions from 3 submitters: Uncertain significance (2); Likely benign (1). Last evaluated 2021-09-14.

Conditions:
Loeys-Dietz syndrome 2 (LDS2). Also called: TGFBR2-Related Loeys-Dietz Syndrome; Marfan syndrome, type 2 (formerly); Marfan Syndrome type 2; Marfan like connective tissue disorder; MFS 2; AORTIC ANEURYSM, FAMILIAL THORACIC 3. Identifiers: Orphanet 284973, Orphanet 558, MedGen C2674574, MONDO:0012427, OMIM 610168.
Colorectal cancer, hereditary nonpolyposis, type 6. Also called: Colon cancer, hereditary nonpolyposis, type 6; Colon cancer, hereditary nonpolyposis, type 6, somatic. Identifiers: Orphanet 144, MedGen C1860896, MONDO:0013695, OMIM 614331.
Malignant tumor of esophagus. Also called: Esophageal cancer, somatic; Esophageal cancer. Identifiers: Orphanet 99977, MedGen C0546837, MONDO:0007576, OMIM 133239.
Diabetic retinopathy. Identifiers: MedGen C0011884, MONDO:0005266.

Allele frequency attached by ClinVar (database versions not stated): gnomAD 0.00010 and 0.00009; TOPMed 0.00009; gnomAD exomes 0.00028.

Submissions (3):

Fulgent Genetics
Classification: Uncertain significance for Malignant tumor of esophagus; Loeys-Dietz syndrome 2; Colorectal cancer, hereditary nonpolyposis, type 6. Last evaluated: 2021-09-14. Review status: criteria provided, single submitter. Criteria: ACMG Guidelines, 2015. Collection method: clinical testing. Allele origin: unknown.

Illumina Laboratory Services, Illumina
Classification: Uncertain significance for Loeys-Dietz syndrome 2. Last evaluated: 2018-01-12. Review status: criteria provided, single submitter. Criteria: ICSL Variant Classification Criteria 13 December 2019. Collection method: clinical testing. Allele origin: germline.

Clinical Genomics, Uppaluri K&H Personalized Medicine Clinic
Classification: Likely benign for Diabetic retinopathy. Review status: criteria provided, single submitter. Criteria: K And H Uppaluri Personalized Medicine Clinic Variant Classification And Assertion Criteria Updated V 2. Collection method: research. Allele origin: unknown.
Comment: Potent mutations in TGFBR2 gene encodes the transforming growth factor that have been associated with angiogenesis and diabetic retinopathy. More clinical studies are needed for stronger association. However, more evidence is required to confer the association of this particular variant rs886058297 with diabetic retinopathy.

Literature cited by the submitters: PubMed 30222965 (cited by Clinical Genomics, Uppaluri K&H Personalized Medicine Clinic); PubMed 28162229 (cited by Clinical Genomics, Uppaluri K&H Personalized Medicine Clinic); PubMed 34572573 (cited by Clinical Genomics, Uppaluri K&H Personalized Medicine Clinic).